The following is an entry in ClinVar:

ClinVar aggregate classification (germline): Pathogenic (1 of 4 stars; one submission).

Conditions:
Hereditary hemochromatosis (HFE). Identifiers: MedGen C0392514, MONDO:0006507. Disease mechanism: loss of function.

Submission:

Labcorp Genetics (formerly Invitae), Labcorp
Classification: Pathogenic for Hereditary hemochromatosis. Last evaluated: 2023-04-19. Review status: criteria provided, single submitter. Criteria: Invitae Variant Classification Sherloc (09022015). Collection method: clinical testing. Allele origin: germline.
Comment: For these reasons, this variant has been classified as Pathogenic. Advanced modeling of protein sequence and biophysical properties (such as structural, functional, and spatial information, amino acid conservation, physicochemical variation, residue mobility, and thermodynamic stability) performed at Invitae indicates that this missense variant is expected to disrupt TFR2 protein function. This missense change has been observed in individuals with hemochromatosis (PMID: 22981443, 23600741, 27896572, 35462491). It has also been observed to segregate with disease in related individuals. This variant is not present in population databases (gnomAD no frequency). This sequence change replaces glycine, which is neutral and non-polar, with arginine, which is basic and polar, at codon 430 of the TFR2 protein (p.Gly430Arg).

Literature cited by the submitters: PubMed 22981443; PubMed 23600741; PubMed 27896572; PubMed 35462491.

NM_003227.4(TFR2):c.1288G>C (p.Gly430Arg)

Gene: TFR2 (transferrin receptor 2; minus strand). Cytogenetic location: 7q22.1.
Variant type: single nucleotide variant.
Coding change: c.1288G>C on transcript NM_003227.4 (MANE Select); coding-DNA position 1288, G replaced by C.
Protein change: p.Gly430Arg; replaces glycine 430 with arginine.
Molecular consequence: missense variant.
Genome position (GRCh38, 1-based): chr7:100,629,355, C>G on the plus strand (G>C on the coding strand, the complement: TFR2 is on the minus strand). VCF-style: chr7-100629355-C-G. GRCh37 (hg19) VCF-style: chr7-100226978-C-G.
Other names: c.775G>C, p.Gly259Arg (NM_001206855.3); short protein forms G259R, G430R.
Identifiers: ClinVar variation 3019970 (VCV003019970.3), dbSNP rs780902940, ClinGen allele CA368528880.